The following is an entry in ClinVar:

NM_018847.4(KLHL9):c.1165C>T (p.Arg389Cys)

Gene: KLHL9 (kelch like family member 9; minus strand). Cytogenetic location: 9p21.3.
Variant type: single nucleotide variant.
Coding change: c.1165C>T on transcript NM_018847.4 (MANE Select); coding-DNA position 1165, C replaced by T.
Protein change: p.Arg389Cys; replaces arginine 389 with cysteine.
Molecular consequence: missense variant.
Genome position (GRCh38, 1-based): chr9:21,333,695, G>A on the plus strand (C>T on the coding strand, the complement: KLHL9 is on the minus strand). VCF-style: chr9-21333695-G-A. GRCh37 (hg19) VCF-style: chr9-21333694-G-A.
Other names: short protein forms R389C.
Identifiers: ClinVar variation 1414654 (VCV001414654.6), dbSNP rs2133031091, ClinGen allele CA373069778.

ClinVar aggregate classification (germline): Uncertain significance (1 of 4 stars; one submission).

Allele frequency attached by ClinVar (database versions not stated): gnomAD exomes below 0.00001.

Submission:

Labcorp Genetics (formerly Invitae), Labcorp
Classification: Uncertain significance. Last evaluated: 2022-03-04. Review status: criteria provided, single submitter. Criteria: Invitae Variant Classification Sherloc (09022015). Collection method: clinical testing. Allele origin: germline.
Comment: In summary, the available evidence is currently insufficient to determine the role of this variant in disease. Therefore, it has been classified as a Variant of Uncertain Significance. Algorithms developed to predict the effect of missense changes on protein structure and function are either unavailable or do not agree on the potential impact of this missense change (SIFT: "Not Available"; PolyPhen-2: "Probably Damaging"; Align-GVGD: "Not Available"). This variant has not been reported in the literature in individuals affected with KLHL9-related conditions. This variant is not present in population databases (gnomAD no frequency). This sequence change replaces arginine, which is basic and polar, with cysteine, which is neutral and slightly polar, at codon 389 of the KLHL9 protein (p.Arg389Cys).